The following is an entry in ClinVar:

NM_001042724.2(NECTIN2):c.1063G>A (p.Ala355Thr)

Gene: NECTIN2 (nectin cell adhesion molecule 2; plus strand). Cytogenetic location: 19q13.32.
Variant type: single nucleotide variant.
Coding change: c.1063G>A on transcript NM_001042724.2 (MANE Select); coding-DNA position 1063, G replaced by A.
Protein change: p.Ala355Thr; replaces alanine 355 with threonine.
Molecular consequence: missense variant.
Genome position (GRCh38, 1-based): chr19:44,882,231, G>A. VCF-style: chr19-44882231-G-A. GRCh37 (hg19) VCF-style: chr19-45385488-G-A.
Other names: short protein forms A355T.
Identifiers: ClinVar variation 773357 (VCV000773357.5), dbSNP rs187706273, ClinGen allele CA9505377.
Genomic context (GRCh38, chr19:44,882,231, plus strand): 5'-TCCTCCTGGAGACCCCCTCACGCTGTCCCTCTCCTTGCAGAGACCCCCAACACAGCAGGC[G>A]CAGGGGCCACAGGCGGCATCATCGGGGGCATCATCGCCGCCATCATTGCTACTGCTGTGG-3'
Protein context (NP_001036189.1, residues 345-365): FVRETPNTAG[Ala355Thr]GATGGIIGGI

ClinVar aggregate classification (germline): Benign. Review status: criteria provided, single submitter (1 of 4 stars). 2 submissions from 2 submitters: Benign (1). 1 of the submissions does not count toward it. Last evaluated 2018-07-16.

Conditions:
NECTIN2-related disorder. Also called: NECTIN2-related condition.

Allele frequency attached by ClinVar (database versions not stated): 1000 Genomes Project 0.00120; 1000 Genomes Project 30x 0.00141; TOPMed 0.00362; gnomAD 0.00370 and 0.00372; gnomAD exomes 0.00371 and 0.00543; ExAC 0.00449; ESP Exome Variant Server 0.00567.
gnomAD v4.1: 7,862 of 1,515,896 alleles (0.52%); highest among the groups gnomAD compares: Non-Finnish European, 0.63%; 30 homozygotes.

Submissions (2):

Labcorp Genetics (formerly Invitae), Labcorp
Classification: Benign. Last evaluated: 2018-07-16. Review status: criteria provided, single submitter. Criteria: Invitae Variant Classification Sherloc (09022015). Collection method: clinical testing. Allele origin: germline.

PreventionGenetics, part of Exact Sciences
Classification: Likely benign for NECTIN2-related condition. Last evaluated: 2020-02-26. Review status: no assertion criteria provided. Collection method: clinical testing. Allele origin: germline. Not counted in ClinVar's aggregate classification.
Comment: This variant is classified as likely benign based on ACMG/AMP sequence variant interpretation guidelines (Richards et al. 2015 PMID: 25741868, with internal and published modifications).